The following is an entry in ClinVar:

NM_001999.4(FBN2):c.71A>T (p.Gln24Leu)

Gene: FBN2 (fibrillin 2; minus strand). Cytogenetic location: 5q23.3.
Variant type: single nucleotide variant.
Coding change: c.71A>T on transcript NM_001999.4 (MANE Select); coding-DNA position 71, A replaced by T.
Protein change: p.Gln24Leu; replaces glutamine 24 with leucine.
Molecular consequence: missense variant.
Genome position (GRCh38, 1-based): chr5:128,537,533, T>A on the plus strand (A>T on the coding strand, the complement: FBN2 is on the minus strand). VCF-style: chr5-128537533-T-A. GRCh37 (hg19) VCF-style: chr5-127873226-T-A.
Other names: short protein forms Q24L.
Identifiers: ClinVar variation 3373346 (VCV003373346.1).

ClinVar aggregate classification (germline): Uncertain significance (1 of 4 stars; one submission).

gnomAD v4.1: 3 of 1,588,486 alleles (0.00019%); highest among the groups gnomAD compares: South Asian, 0.0011%; no homozygotes.

Submission:

GeneDx
Classification: Uncertain significance. Last evaluated: 2024-05-01. Review status: criteria provided, single submitter. Criteria: GeneDx Variant Classification Process June 2021. Collection method: clinical testing. Allele origin: germline. Affected: yes.
Comment: Not observed at significant frequency in large population cohorts (gnomAD); In silico analysis indicates that this missense variant does not alter protein structure/function; Has not been previously published as pathogenic or benign to our knowledge